The following is an entry in ClinVar:

Conditions:
Breast-ovarian cancer, familial, susceptibility to, 1 (BROVCA1). Also called: BRCA1 Hereditary Breast and Ovarian Cancer; OVARIAN CANCER, SUSCEPTIBILITY TO. Identifiers: Orphanet 145, MedGen C2676676, MONDO:0011450, OMIM 604370. Disease mechanism: loss of function.

Submission:

Brotman Baty Institute, University of Washington
No classification provided (evidence only). Condition: Breast-ovarian cancer, familial 1. Review status: no classification provided. Collection method: in vitro. Allele origin: not applicable. Functional consequence: functionally_normal.
ClinVar note: "not provided" was previously submitted as the classification for the variant. However, the classification appeared to be based only on an observation of functional data so it was converted to no classification on 2025-07-30.

NM_007294.4(BRCA1):c.5389T>C (p.Ser1797Pro)

Gene: BRCA1 (BRCA1 DNA repair associated; minus strand). Cytogenetic location: 17q21.31.
Variant type: single nucleotide variant.
Coding change: c.5389T>C on transcript NM_007294.4 (MANE Select); coding-DNA position 5389, T replaced by C.
Protein change: p.Ser1797Pro; replaces serine 1797 with proline.
Molecular consequence: missense variant. On other transcripts: non-coding transcript variant (1), intron variant (1).
Genome position (GRCh38, 1-based): chr17:43,049,138, A>G on the plus strand (T>C on the coding strand, the complement: BRCA1 is on the minus strand). VCF-style: chr17-43049138-A-G. GRCh37 (hg19) VCF-style: chr17-41201155-A-G.
Other names: c.5248T>C, p.Ser1750Pro (NM_001407728.1, NM_001407729.1, NM_001407730.1 and 12 more transcripts); c.5245T>C, p.Ser1749Pro (NM_001407732.1, NM_001407733.1, NM_001407734.1 and 18 more transcripts); c.5242T>C, p.Ser1748Pro (NM_001407838.1, NM_001407839.1, NM_001407841.1 and 12 more transcripts); c.5188T>C, p.Ser1730Pro (NM_001407862.1); c.5185T>C, p.Ser1729Pro (NM_001407863.1); c.5182T>C, p.Ser1728Pro (NM_001407874.1, NM_001407875.1); c.5179T>C, p.Ser1727Pro (NM_001407879.1, NM_001407881.1, NM_001407882.1 and 5 more transcripts); c.5176T>C, p.Ser1726Pro (NM_001407899.1, NM_001407900.1, NM_001407902.1 and 12 more transcripts); and 73 more; short protein forms S1818P, S1750P, S1797P, S693P, S1500P, S1628P, S1668P, S1669P.
Identifiers: ClinVar variation 865411 (VCV000865411.3), dbSNP rs2051077510, ClinGen allele CA10590697.